The following is an entry in ClinVar:

ClinVar aggregate classification (germline): Likely benign. Review status: criteria provided, multiple submitters, no conflicts (2 of 4 stars). 3 submissions from 3 submitters: Likely benign (2). 1 of the submissions does not count toward it. Last evaluated 2023-12-19.

Conditions:
CFTR-related disorder (CFTR-RD). Also called: CFTR-related condition; CFTR-related disorders. Identifiers: MedGen C5924204, MONDO:7770004.
Cystic fibrosis (CF). Also called: MUCOVISCIDOSIS. Identifiers: Orphanet 586, MedGen C0010674, MONDO:0009061, OMIM 219700. Disease mechanism: loss of function.

Submissions (3):

Ambry Genetics
Classification: Likely benign for Cystic fibrosis. Last evaluated: 2023-12-19. Review status: criteria provided, single submitter. Criteria: Ambry Variant Classification Scheme 2023. Collection method: clinical testing. Allele origin: germline.

Women's Health and Genetics/Laboratory Corporation of America, LabCorp
Classification: Likely benign. Last evaluated: 2022-10-03. Review status: criteria provided, single submitter. Criteria: LabCorp Variant Classification Summary - May 2015. Collection method: clinical testing. Allele origin: germline.

PreventionGenetics, part of Exact Sciences
Classification: Likely benign for CFTR-related condition. Last evaluated: 2022-10-04. Review status: no assertion criteria provided. Collection method: clinical testing. Allele origin: germline. Not counted in ClinVar's aggregate classification.
Comment: This variant is classified as likely benign based on ACMG/AMP sequence variant interpretation guidelines (Richards et al. 2015 PMID: 25741868, with internal and published modifications).

NM_000492.4(CFTR):c.2709T>C (p.Tyr903=)

Gene: CFTR (CF transmembrane conductance regulator; plus strand). Cytogenetic location: 7q31.2.
Variant type: single nucleotide variant.
Coding change: c.2709T>C on transcript NM_000492.4 (MANE Select); coding-DNA position 2709, T replaced by C.
Protein change: p.Tyr903=; no amino-acid change (tyrosine 903 retained).
Molecular consequence: synonymous variant.
Genome position (GRCh38, 1-based): chr7:117,603,583, T>C. VCF-style: chr7-117603583-T-C. GRCh37 (hg19) VCF-style: chr7-117243637-T-C.
Identifiers: ClinVar variation 1723361 (VCV001723361.4), dbSNP rs2485121839, ClinGen allele CA457227924.